The following is an entry in ClinVar:

ClinVar aggregate classification (germline): Uncertain significance. Review status: criteria provided, multiple submitters, no conflicts (2 of 4 stars). 3 submissions from 3 submitters: Uncertain significance (3). Last evaluated 2026-07-07.

Conditions:
King Denborough syndrome (KDS). Identifiers: MedGen C1840365, MONDO:0020485, OMIM 619542.
Central core myopathy (CMYO1A). Also called: CONGENITAL MYOPATHY 1A, AUTOSOMAL DOMINANT, WITH SUSCEPTIBILITY TO MALIGNANT HYPERTHERMIA; Central core disease; Myopathy, central fibrillar. Identifiers: Orphanet 597, MedGen C5830701, MONDO:0007294, OMIM 117000.
Congenital multicore myopathy with external ophthalmoplegia (CMYO1B). Also called: MULTICORE MYOPATHY; Minicore myopathy; Minicore myopathy with external ophthalmoplegia; MULTIMINICORE DISEASE WITH EXTERNAL OPHTHALMOPLEGIA; Congenital myopathy 1B, autosomal recessive. Identifiers: Orphanet 598, Orphanet 98905, MedGen C1850674, MONDO:0009712, OMIM 255320, HP:0003789.
Congenital myopathy with fiber type disproportion. Also called: Congenital fiber-type disproportion; Congenital fiber-type disproportion myopathy. Identifiers: Orphanet 2020, MedGen C0546264, MONDO:0009711. Inheritance: all.
Malignant hyperthermia, susceptibility to, 1 (MHS1). Also called: Anesthesia related hyperthermia; Malignant hyperpyrexia; Fulminating hyperpyrexia; Pharmacogenic myopathy; RYR1-Related Malignant Hyperthermia Susceptibility; Malignant hyperthermia suceptibility 1. Identifiers: Orphanet 423, MedGen C2930980, MONDO:0007783, OMIM 145600.
RYR1-related disorder. Also called: RYR1-related disorders; RYR1-related condition. Identifiers: MedGen CN239331.
Inborn genetic diseases. Identifiers: MedGen C0950123, MeSH D030342.

Allele frequency attached by ClinVar (database versions not stated): gnomAD 0.00001; TOPMed 0.00002; gnomAD exomes 0.00001 and 0.00004; ExAC 0.00006.
gnomAD v4.1: 22 of 1,614,046 alleles (0.0014%); highest among the groups gnomAD compares: Non-Finnish European, 0.0018%; no homozygotes.

Submissions (3):

Ambry Genetics
Classification: Uncertain significance for Inborn genetic diseases. Last evaluated: 2026-07-07. Review status: criteria provided, single submitter. Criteria: Ambry Variant Classification Scheme 2023. Collection method: clinical testing. Allele origin: germline.
Comment: The p.K3034T variant (also known as c.9101A>C), located in coding exon 60 of the RYR1 gene, results from an A to C substitution at nucleotide position 9101. The lysine at codon 3034 is replaced by threonine, an amino acid with similar properties. This amino acid position is conserved. In addition, the in silico prediction for this alteration is inconclusive. Based on the available evidence, the clinical significance of this variant remains unclear.

Labcorp Genetics (formerly Invitae), Labcorp
Classification: Uncertain significance for RYR1-related disorder. Last evaluated: 2025-04-27. Review status: criteria provided, single submitter. Criteria: Invitae Variant Classification Sherloc (09022015). Collection method: clinical testing. Allele origin: germline.
Comment: This sequence change replaces lysine, which is basic and polar, with threonine, which is neutral and polar, at codon 3034 of the RYR1 protein (p.Lys3034Thr). This variant is present in population databases (rs754966992, gnomAD 0.008%). This variant has not been reported in the literature in individuals affected with RYR1-related conditions. ClinVar contains an entry for this variant (Variation ID: 949335). Invitae Evidence Modeling of protein sequence and biophysical properties (such as structural, functional, and spatial information, amino acid conservation, physicochemical variation, residue mobility, and thermodynamic stability) indicates that this missense variant is expected to disrupt RYR1 protein function with a positive predictive value of 80%. In summary, the available evidence is currently insufficient to determine the role of this variant in disease. Therefore, it has been classified as a Variant of Uncertain Significance.

Fulgent Genetics
Classification: Uncertain significance for Central core myopathy; Malignant hyperthermia, susceptibility to, 1; Congenital myopathy 4A, autosomal dominant; Congenital multicore myopathy with external ophthalmoplegia; King Denborough syndrome. Last evaluated: 2021-08-18. Review status: criteria provided, single submitter. Criteria: ACMG Guidelines, 2015. Collection method: clinical testing. Allele origin: unknown.

NM_000540.3(RYR1):c.9101A>C (p.Lys3034Thr)

Gene: RYR1 (ryanodine receptor 1; plus strand). Cytogenetic location: 19q13.2.
Variant type: single nucleotide variant.
Coding change: c.9101A>C on transcript NM_000540.3 (MANE Select); coding-DNA position 9101, A replaced by C.
Protein change: p.Lys3034Thr; replaces lysine 3034 with threonine.
Molecular consequence: missense variant.
Genome position (GRCh38, 1-based): chr19:38,510,760, A>C. VCF-style: chr19-38510760-A-C. GRCh37 (hg19) VCF-style: chr19-39001400-A-C.
Other names: c.9101A>C, p.Lys3034Thr (NM_001042723.2); short protein forms K3034T.
Identifiers: ClinVar variation 949335 (VCV000949335.9), dbSNP rs754966992, ClinGen allele CA073148.